The following is an entry in ClinVar:

ClinVar aggregate classification (germline): Uncertain significance. Review status: criteria provided, multiple submitters, no conflicts (2 of 4 stars). 2 submissions from 2 submitters: Uncertain significance (2). Last evaluated 2022-08-09.

Conditions:
Familial expansile osteolysis (FEO). Also called: POLYOSTOTIC OSTEOLYTIC DYSPLASIA, HEREDITARY EXPANSILE; MCCABE DISEASE. Identifiers: Orphanet 85195, MedGen C0432292, MONDO:0008275, OMIM 174810.

gnomAD v4.1: 1 of 1,599,582 alleles (0.000063%); highest among the groups gnomAD compares: African/African-American, 0.0013%; no homozygotes.

Submissions (2):

Labcorp Genetics (formerly Invitae), Labcorp
Classification: Uncertain significance. Last evaluated: 2022-08-09. Review status: criteria provided, single submitter. Criteria: Invitae Variant Classification Sherloc (09022015). Collection method: clinical testing. Allele origin: germline.
Comment: In summary, the available evidence is currently insufficient to determine the role of this variant in disease. Therefore, it has been classified as a Variant of Uncertain Significance. Algorithms developed to predict the effect of missense changes on protein structure and function are either unavailable or do not agree on the potential impact of this missense change (SIFT: "Deleterious"; PolyPhen-2: "Possibly Damaging"; Align-GVGD: "Class C0"). ClinVar contains an entry for this variant (Variation ID: 1030713). This variant has not been reported in the literature in individuals affected with TNFRSF11A-related conditions. This variant is not present in population databases (gnomAD no frequency). This sequence change replaces alanine, which is neutral and non-polar, with valine, which is neutral and non-polar, at codon 113 of the TNFRSF11A protein (p.Ala113Val).

Baylor Genetics
Classification: Uncertain significance for Familial expansile osteolysis. Last evaluated: 2019-12-12. Review status: criteria provided, single submitter. Criteria: ACMG Guidelines, 2015. Collection method: clinical testing. Allele origin: unknown. Affected: yes.
Comment: This variant was determined to be of uncertain significance according to ACMG Guidelines, 2015 [PMID:25741868].

NM_003839.4(TNFRSF11A):c.338C>T (p.Ala113Val)

Gene: TNFRSF11A (TNF receptor superfamily member 11a; plus strand). Cytogenetic location: 18q21.33.
Variant type: single nucleotide variant.
Coding change: c.338C>T on transcript NM_003839.4 (MANE Select); coding-DNA position 338, C replaced by T.
Protein change: p.Ala113Val; replaces alanine 113 with valine.
Molecular consequence: missense variant.
Genome position (GRCh38, 1-based): chr18:62,354,445, C>T. VCF-style: chr18-62354445-C-T. GRCh37 (hg19) VCF-style: chr18-60021678-C-T.
Other names: c.338C>T, p.Ala113Val (NM_001270949.2, NM_001270950.2, NM_001270951.2 and 1 more transcripts); short protein forms A113V.
Identifiers: ClinVar variation 1030713 (VCV001030713.6), dbSNP rs1909092200, ClinGen allele CA402612184.